The following is an entry in ClinVar:

ClinVar aggregate classification (germline): Conflicting classifications of pathogenicity. Review status: criteria provided, conflicting classifications (1 of 4 stars). 4 submissions from 4 submitters: Uncertain significance (3); Likely benign (1). Last evaluated 2025-06-29.

Conditions:
Polycystic kidney disease 4 (PKD4). Also called: Autosomal Recessive Polycystic Kidney Disease – PKHD1; POLYCYSTIC KIDNEY DISEASE 4 WITH OR WITHOUT POLYCYSTIC LIVER DISEASE; POLYCYSTIC KIDNEY AND HEPATIC DISEASE 1; POLYCYSTIC KIDNEY DISEASE, INFANTILE, TYPE I; PKD3. Identifiers: MedGen C4540575, MONDO:0033004, OMIM 263200.
Inborn genetic diseases. Identifiers: MedGen C0950123, MeSH D030342.
Autosomal recessive polycystic kidney disease (ARPKD). Also called: AR polycystic kidney disease. Identifiers: Orphanet 731, Orphanet 8378, MedGen C0085548, MeSH D017044, MONDO:0009889.

Allele frequency attached by ClinVar (database versions not stated): TOPMed below 0.00001; gnomAD 0.00001; gnomAD exomes 0.00001 and 0.00002.
gnomAD v4.1: 20 of 1,595,746 alleles (0.0013%); highest among the groups gnomAD compares: African/African-American, 0.004%; no homozygotes.

Submissions (4):

Ambry Genetics
Classification: Likely benign for Inborn genetic diseases. Last evaluated: 2025-06-29. Review status: criteria provided, single submitter. Criteria: Ambry Variant Classification Scheme 2023. Collection method: clinical testing. Allele origin: germline.

Fulgent Genetics
Classification: Uncertain significance for Polycystic kidney disease 4. Last evaluated: 2024-05-09. Review status: criteria provided, single submitter. Criteria: ACMG Guidelines, 2015. Collection method: clinical testing. Allele origin: germline.

Labcorp Genetics (formerly Invitae), Labcorp
Classification: Uncertain significance for Autosomal recessive polycystic kidney disease. Last evaluated: 2021-09-24. Review status: criteria provided, single submitter. Criteria: Invitae Variant Classification Sherloc (09022015). Collection method: clinical testing. Allele origin: germline.
Comment: This sequence change replaces arginine with glutamine at codon 124 of the PKHD1 protein (p.Arg124Gln). The arginine residue is weakly conserved and there is a small physicochemical difference between arginine and glutamine. This variant is not present in population databases (ExAC no frequency). This variant has not been reported in the literature in individuals with PKHD1-related conditions. ClinVar contains an entry for this variant (Variation ID: 594537). Algorithms developed to predict the effect of missense changes on protein structure and function output the following: SIFT: "Tolerated"; PolyPhen-2: "Benign"; Align-GVGD: "Class C0". The glutamine amino acid residue is found in multiple mammalian species, suggesting that this missense change does not adversely affect protein function. These predictions have not been confirmed by published functional studies and their clinical significance is uncertain. In summary, the available evidence is currently insufficient to determine the role of this variant in disease. Therefore, it has been classified as a Variant of Uncertain Significance.

Eurofins Ntd Llc (ga)
Classification: Uncertain significance. Last evaluated: 2017-10-13. Review status: criteria provided, single submitter. Criteria: EGL Classification Definitions 2015. Collection method: clinical testing. Allele origin: germline. Observed: 1 variant allele, 1 heterozygote.

NM_138694.4(PKHD1):c.371G>A (p.Arg124Gln)

Gene: PKHD1 (PKHD1 ciliary IPT domain containing fibrocystin/polyductin; minus strand). Cytogenetic location: 6p12.2.
Variant type: single nucleotide variant.
Coding change: c.371G>A on transcript NM_138694.4 (MANE Select); coding-DNA position 371, G replaced by A.
Protein change: p.Arg124Gln; replaces arginine 124 with glutamine.
Molecular consequence: missense variant.
Genome position (GRCh38, 1-based): chr6:52,079,919, C>T on the plus strand (G>A on the coding strand, the complement: PKHD1 is on the minus strand). VCF-style: chr6-52079919-C-T. GRCh37 (hg19) VCF-style: chr6-51944717-C-T.
Other names: c.371G>A, p.Arg124Gln (NM_170724.3); c.371G>A (NM_138694.3); short protein forms R124Q.
Identifiers: ClinVar variation 594537 (VCV000594537.9), dbSNP rs764940559, ClinGen allele CA138932186.
Genomic context (GRCh38, chr6:52,079,919, plus strand): 5'-TAGACTATGTAAACATACCTTCCTCCAGCCTTAGAACCCACCTTGAAAGTACAGCTATCT[C>T]GTGGTCCTGGATTTGGACTGCTTACCAGCTGTCCCCCGAAGTATGCTTCCAGGAAGTACA-3'
Protein context (NP_619639.3, residues 114-134): QLVSSPNPGP[Arg124Gln]DSCTFKFSKA